The following is an entry in ClinVar:

NM_001003694.2(BRPF1):c.1156T>A (p.Cys386Ser)

Gene: BRPF1 (bromodomain and PHD finger containing 1; plus strand). Cytogenetic location: 3p25.3.
Variant type: single nucleotide variant.
Coding change: c.1156T>A on transcript NM_001003694.2 (MANE Select); coding-DNA position 1156, T replaced by A.
Protein change: p.Cys386Ser; replaces cysteine 386 with serine.
Molecular consequence: missense variant. On other transcripts: non-coding transcript variant (1).
Genome position (GRCh38, 1-based): chr3:9,739,555, T>A. VCF-style: chr3-9739555-T-A. GRCh37 (hg19) VCF-style: chr3-9781239-T-A.
Other names: c.1156T>A, p.Cys386Ser (NM_001319049.2, NM_001319050.2, NM_001410704.1 and 7 more transcripts); short protein forms C386S.
Identifiers: ClinVar variation 4879715 (VCV004879715.1).

ClinVar aggregate classification (germline): Pathogenic (1 of 4 stars; one submission).

Conditions:
Intellectual developmental disorder with dysmorphic facies and ptosis (IDDDFP). Identifiers: Orphanet 698090, MedGen C4310617, MONDO:0015022, OMIM 617333.

Submission:

Victorian Clinical Genetics Services, Murdoch Childrens Research Institute
Classification: Pathogenic for Intellectual developmental disorder with dysmorphic facies and ptosis. Last evaluated: 2026-03-30. Review status: criteria provided, single submitter. Criteria: ACMG Guidelines, 2015. Collection method: clinical testing. Allele origin: germline. Affected: yes.
Comment: This variant is classified as Pathogenic. Evidence in support of pathogenic classification: Variant is absent from gnomAD (v2, v3 and v4); Another missense variant comparable to the one identified in this case has limited previous evidence for pathogenicity. The p.(Cys386Trp) variant has been reported as de novo in an individual with unilateral ptosis, lacrimal duct stenosis, and agenesis of corpus callosum (DECIPHER); Variant is located in the well-established PHD-zinc-finger like domain and affects a critical cysteine residue (DECIPHER); Missense variant predicted to be damaging by in silico tool(s) or highly conserved with a major amino acid change; Additional information: Variant is predicted to result in a missense amino acid change from Cys to Ser; This variant is heterozygous; This gene is associated with autosomal dominant disease; This variant has no previous evidence of pathogenicity; No published evidence of segregation with disease has been identified for this variant; No published functional evidence has been identified for this variant; Loss of function is a known mechanism of disease in this gene and is associated with intellectual developmental disorder with dysmorphic facies and ptosis (MIM#617333); Variants in this gene are known to have variable expressivity (PMIDs: 32010779, 39837771).

Literature cited by the submitters: PubMed 32010779; PubMed 39837771.